The following is an entry in ClinVar:

NM_080680.3(COL11A2):c.2347C>A (p.Pro783Thr)

Gene: COL11A2 (collagen type XI alpha 2 chain; minus strand). Cytogenetic location: 6p21.32.
Variant type: single nucleotide variant.
Coding change: c.2347C>A on transcript NM_080680.3 (MANE Select); coding-DNA position 2347, C replaced by A.
Protein change: p.Pro783Thr; replaces proline 783 with threonine.
Molecular consequence: missense variant.
Genome position (GRCh38, 1-based): chr6:33,175,603, G>T on the plus strand (C>A on the coding strand, the complement: COL11A2 is on the minus strand). VCF-style: chr6-33175603-G-T. GRCh37 (hg19) VCF-style: chr6-33143380-G-T.
Other names: c.2167C>A, p.Pro723Thr (NM_001424108.1); c.1501C>A, p.Pro501Thr (NM_001424109.1); c.1321C>A, p.Pro441Thr (NM_001424110.1, NM_001424111.1); c.301C>A, p.Pro101Thr (NM_001424112.1); c.2026C>A, p.Pro676Thr (NM_080679.3); c.2089C>A, p.Pro697Thr (NM_080681.3); short protein forms P441T, P101T, P697T, P723T, P501T, P676T, P783T.
Identifiers: ClinVar variation 2911787 (VCV002911787.3), dbSNP rs1770792659, ClinGen allele CA363646639.

ClinVar aggregate classification (germline): Uncertain significance (1 of 4 stars; one submission).

Allele frequency attached by ClinVar (database versions not stated): gnomAD exomes below 0.00001; gnomAD 0.00001.
gnomAD v4.1: 4 of 1,612,914 alleles (0.00025%); highest among the groups gnomAD compares: African/African-American, 0.0053%; no homozygotes.

Submission:

Labcorp Genetics (formerly Invitae), Labcorp
Classification: Uncertain significance. Last evaluated: 2024-01-30. Review status: criteria provided, single submitter. Criteria: Invitae Variant Classification Sherloc (09022015). Collection method: clinical testing. Allele origin: germline.
Comment: This sequence change replaces proline, which is neutral and non-polar, with threonine, which is neutral and polar, at codon 783 of the COL11A2 protein (p.Pro783Thr). This variant is not present in population databases (gnomAD no frequency). This variant has not been reported in the literature in individuals affected with COL11A2-related conditions. Advanced modeling of protein sequence and biophysical properties (such as structural, functional, and spatial information, amino acid conservation, physicochemical variation, residue mobility, and thermodynamic stability) performed at Invitae indicates that this missense variant is not expected to disrupt COL11A2 protein function with a negative predictive value of 95%. In summary, the available evidence is currently insufficient to determine the role of this variant in disease. Therefore, it has been classified as a Variant of Uncertain Significance.